The following is an entry in ClinVar:

NM_000229.2(LCAT):c.1039C>G (p.Arg347Gly)

Gene: LCAT (lecithin-cholesterol acyltransferase; minus strand). Cytogenetic location: 16q22.1.
Variant type: single nucleotide variant.
Coding change: c.1039C>G on transcript NM_000229.2 (MANE Select); coding-DNA position 1039, C replaced by G.
Protein change: p.Arg347Gly; replaces arginine 347 with glycine.
Molecular consequence: missense variant.
Genome position (GRCh38, 1-based): chr16:67,940,188, G>C on the plus strand (C>G on the coding strand, the complement: LCAT is on the minus strand). VCF-style: chr16-67940188-G-C. GRCh37 (hg19) VCF-style: chr16-67974091-G-C.
Other names: short protein forms R347G.
Identifiers: ClinVar variation 4859142 (VCV004859142.1).

ClinVar aggregate classification (germline): Uncertain significance (1 of 4 stars; one submission).

Conditions:
Cardiovascular phenotype. Identifiers: MedGen CN230736.

gnomAD v4.1: 1 of 1,612,288 alleles (0.000062%); highest among the groups gnomAD compares: African/African-American, 0.0013%; no homozygotes.

Submission:

Ambry Genetics
Classification: Uncertain significance for Cardiovascular phenotype. Last evaluated: 2026-03-23. Review status: criteria provided, single submitter. Criteria: Ambry Variant Classification Scheme 2023. Collection method: clinical testing. Allele origin: germline.
Comment: The p.R347G variant (also known as c.1039C>G), located in coding exon 6 of the LCAT gene, results from a C to G substitution at nucleotide position 1039. The arginine at codon 347 is replaced by glycine, an amino acid with dissimilar properties. This amino acid position is conserved. In addition, the in silico prediction for this alteration is inconclusive. Based on the available evidence, the clinical significance of this variant remains unclear.